The following is an entry in ClinVar:

ClinVar aggregate classification (germline): Uncertain significance. Review status: criteria provided, multiple submitters, no conflicts (2 of 4 stars). 2 submissions from 2 submitters: Uncertain significance (2). Last evaluated 2026-02-21.

Conditions:
Early-infantile DEE. Also called: Ohtahara syndrome; Early infantile epileptic encephalopathy with suppression bursts; Early infantile epileptic encephalopathy. Identifiers: Orphanet 1934, MedGen C0393706, MONDO:0800491.

Allele frequency attached by ClinVar (database versions not stated): gnomAD exomes below 0.00001; TOPMed 0.00001.
gnomAD v4.1: 1 of 1,614,140 alleles (0.000062%); highest among the groups gnomAD compares: African/African-American, 0.0013%; no homozygotes.

Submissions (2):

GeneDx
Classification: Uncertain significance. Last evaluated: 2026-02-21. Review status: criteria provided, single submitter. Criteria: GeneDx Variant Classification Process June 2021. Collection method: clinical testing. Allele origin: germline.
Comment: Not observed at significant frequency in large population cohorts (gnomAD); In silico analysis suggests that this missense variant does not alter protein structure/function; Has not been previously published as pathogenic or benign to our knowledge; This substitution is predicted to be within the N-terminal cytoplasmic domain

Labcorp Genetics (formerly Invitae), Labcorp
Classification: Uncertain significance for Early-infantile DEE. Last evaluated: 2023-02-09. Review status: criteria provided, single submitter. Criteria: Invitae Variant Classification Sherloc (09022015). Collection method: clinical testing. Allele origin: germline.
Comment: This sequence change replaces glutamine, which is neutral and polar, with lysine, which is basic and polar, at codon 3 of the SCN1A protein (p.Gln3Lys). This variant is not present in population databases (gnomAD no frequency). This variant has not been reported in the literature in individuals affected with SCN1A-related conditions. ClinVar contains an entry for this variant (Variation ID: 1404168). Algorithms developed to predict the effect of missense changes on protein structure and function (SIFT, PolyPhen-2, Align-GVGD) all suggest that this variant is likely to be tolerated. In summary, the available evidence is currently insufficient to determine the role of this variant in disease. Therefore, it has been classified as a Variant of Uncertain Significance.

NM_001165963.4(SCN1A):c.7C>A (p.Gln3Lys)

Gene: SCN1A (sodium voltage-gated channel alpha subunit 1; minus strand). Cytogenetic location: 2q24.3.
Variant type: single nucleotide variant.
Coding change: c.7C>A on transcript NM_001165963.4 (MANE Select); coding-DNA position 7, C replaced by A.
Protein change: p.Gln3Lys; replaces glutamine 3 with lysine.
Molecular consequence: missense variant. On other transcripts: 5 prime UTR variant (1), non-coding transcript variant (1).
Genome position (GRCh38, 1-based): chr2:166,073,615, G>T on the plus strand (C>A on the coding strand, the complement: SCN1A is on the minus strand). VCF-style: chr2-166073615-G-T. GRCh37 (hg19) VCF-style: chr2-166930125-G-T.
Other names: c.7C>A, p.Gln3Lys (NM_001353954.2, NM_001353955.2, NM_001353957.2 and 10 more transcripts); c.-2419C>A (NM_001353961.2); c.7C>A (NM_001165963.1); short protein forms Q3K.
Identifiers: ClinVar variation 1404168 (VCV001404168.10), dbSNP rs924198007, ClinGen allele CA60270536.